The following is an entry in ClinVar:

NM_002860.4(ALDH18A1):c.250C>T (p.Arg84Ter)

Gene: ALDH18A1 (aldehyde dehydrogenase 18 family member A1; minus strand). Cytogenetic location: 10q24.1.
Variant type: single nucleotide variant.
Coding change: c.250C>T on transcript NM_002860.4 (MANE Select); coding-DNA position 250, C replaced by T.
Protein change: p.Arg84Ter; replaces arginine 84 with a stop codon.
Molecular consequence: nonsense. On other transcripts: intron variant (4).
Genome position (GRCh38, 1-based): chr10:95,643,045, G>A on the plus strand (C>T on the coding strand, the complement: ALDH18A1 is on the minus strand). VCF-style: chr10-95643045-G-A. GRCh37 (hg19) VCF-style: chr10-97402802-G-A.
Other names: c.250C>T, p.Arg84Ter (NM_001017423.2, NM_001323413.2, NM_001323414.2 and 2 more transcripts); c.-78-9396C>T (NM_001323419.2); c.-30-5609C>T (NM_001323412.2, NM_001323418.2, NM_001323416.2); short protein forms R84*.
Identifiers: ClinVar variation 2253522 (VCV002253522.5), dbSNP rs1325257479, ClinGen allele CA377707707.

ClinVar aggregate classification (germline): Pathogenic. Review status: criteria provided, multiple submitters, no conflicts (2 of 4 stars). 3 submissions from 3 submitters: Pathogenic (3). Last evaluated 2025-01-14.

Conditions:
Autosomal recessive complex spastic paraplegia type 9B. Also called: Spastic paraplegia 9b, autosomal recessive. Identifiers: Orphanet 447760, MedGen C5568980, MONDO:0014702, OMIM 616586.
Inborn genetic diseases. Identifiers: MedGen C0950123, MeSH D030342.
Autosomal dominant spastic paraplegia type 9. Identifiers: MedGen C1832669, MONDO:0015091.
Cutis laxa, autosomal dominant 3 (ADCL3). Identifiers: Orphanet 90348, MedGen C4225268, MONDO:0014706, OMIM 616603.
de Barsy syndrome. Also called: Cutis laxa-corneal clouding-oligophrenia syndrome. Identifiers: Orphanet 2962, MedGen C0268354, MONDO:0017569.

Allele frequency attached by ClinVar (database versions not stated): gnomAD exomes below 0.00001.
gnomAD v4.1: 4 of 1,613,900 alleles (0.00025%); highest among the groups gnomAD compares: South Asian, 0.0022%; no homozygotes.

Submissions (3):

Labcorp Genetics (formerly Invitae), Labcorp
Classification: Pathogenic for Autosomal dominant spastic paraplegia type 9; de Barsy syndrome; Cutis laxa, autosomal dominant 3. Last evaluated: 2025-01-14. Review status: criteria provided, single submitter. Criteria: Invitae Variant Classification Sherloc (09022015). Collection method: clinical testing. Allele origin: germline.
Comment: This sequence change creates a premature translational stop signal (p.Arg84*) in the ALDH18A1 gene. It is expected to result in an absent or disrupted protein product. Loss-of-function variants in ALDH18A1 are known to be pathogenic (PMID: 21739576, 24913064, 28567303, 28604674, 29915212). This variant is not present in population databases (gnomAD no frequency). This premature translational stop signal has been observed in individual(s) with autosomal recessive hereditary spastic paraplegia (PMID: 35464835). ClinVar contains an entry for this variant (Variation ID: 2253522). For these reasons, this variant has been classified as Pathogenic.

3billion
Classification: Pathogenic for Autosomal recessive complex spastic paraplegia type 9B. Last evaluated: 2023-11-10. Review status: criteria provided, single submitter. Criteria: ACMG Guidelines, 2015. Collection method: clinical testing. Allele origin: germline. Affected: yes.
Comment: The variant is not observed in the gnomAD v2.1.1 dataset. Predicted Consequence/Location: Stop-gained (nonsense): predicted to result in a loss or disruption of normal protein function through nonsense-mediated decay (NMD) or protein truncation. Multiple pathogenic variants are reported downstream of the variant. The variant has been reported to be associated with ALDH18A1 related disorder (ClinVar ID: VCV002253522). Therefore, this variant is classified as Pathogenic according to the recommendation of ACMG/AMP guideline.

Ambry Genetics
Classification: Pathogenic for Inborn genetic diseases. Last evaluated: 2021-11-19. Review status: criteria provided, single submitter. Criteria: Ambry Variant Classification Scheme 2023. Collection method: clinical testing. Allele origin: germline.
Comment: The c.250C>T (p.R84*) alteration, located in exon 3 (coding exon 2) of the ALDH18A1 gene, consists of a C to T substitution at nucleotide position 250. This changes the amino acid from an arginine (R) to a stop codon at amino acid position 84. This alteration is expected to result in loss of function by premature protein truncation or nonsense-mediated mRNA decay. Although biallelic loss of function alterations in ALDH18A1 have been associated with autosomal recessive P5CS deficiency, haploinsufficiency for ALDH18A1 has not been clearly established as a mechanism of disease for autosomal dominant P5CS deficiency. Therefore, this variant is expected to be causative of autosomal recessive P5CS deficiency when present along with a second pathogenic variant on the other allele; however, its clinical significance for autosomal dominant P5CS deficiency is unclear. Based on the available evidence, this alteration is classified as pathogenic.

Literature cited by the submitters: PubMed 21739576 (cited by Labcorp Genetics (formerly Invitae), Labcorp); PubMed 24913064 (cited by Labcorp Genetics (formerly Invitae), Labcorp); PubMed 28567303 (cited by Labcorp Genetics (formerly Invitae), Labcorp); PubMed 28604674 (cited by Labcorp Genetics (formerly Invitae), Labcorp); PubMed 29915212 (cited by Labcorp Genetics (formerly Invitae), Labcorp); PubMed 35464835 (cited by Labcorp Genetics (formerly Invitae), Labcorp and 3billion).